The following is an entry in ClinVar:

ClinVar aggregate classification (germline): Uncertain significance (1 of 4 stars; one submission).

Allele frequency attached by ClinVar (database versions not stated): gnomAD exomes below 0.00001.
gnomAD v4.1: 4 of 1,613,570 alleles (0.00025%); highest among the groups gnomAD compares: South Asian, 0.0033%; no homozygotes.

Submission:

Ambry Genetics
Classification: Uncertain significance. Last evaluated: 2022-09-16. Review status: criteria provided, single submitter. Criteria: Ambry Variant Classification Scheme 2023. Collection method: clinical testing. Allele origin: germline.
Comment: The p.F749L variant (also known as c.2245T>C), located in coding exon 13 of the NPAT gene, results from a T to C substitution at nucleotide position 2245. The phenylalanine at codon 749 is replaced by leucine, an amino acid with highly similar properties. This amino acid position is conserved. In addition, this alteration is predicted to be tolerated by in silico analysis. Since supporting evidence is limited at this time, the clinical significance of this alteration remains unclear.

NM_002519.3(NPAT):c.2245T>C (p.Phe749Leu)

Gene: NPAT (nuclear protein, coactivator of histone transcription; minus strand). Cytogenetic location: 11q22.3.
Variant type: single nucleotide variant.
Coding change: c.2245T>C on transcript NM_002519.3 (MANE Select); coding-DNA position 2245, T replaced by C.
Protein change: p.Phe749Leu; replaces phenylalanine 749 with leucine.
Molecular consequence: missense variant.
Genome position (GRCh38, 1-based): chr11:108,172,739, A>G on the plus strand (T>C on the coding strand, the complement: NPAT is on the minus strand). VCF-style: chr11-108172739-A-G. GRCh37 (hg19) VCF-style: chr11-108043466-A-G.
Other names: c.2245T>C, p.Phe749Leu (NM_001321307.1); short protein forms F749L.
Identifiers: ClinVar variation 1788341 (VCV001788341.2), dbSNP rs865801637, ClinGen allele CA228383792.